The following is an entry in ClinVar:

NM_020937.4(FANCM):c.3227A>G (p.Asp1076Gly)

Gene: FANCM (FA complementation group M; plus strand). Cytogenetic location: 14q21.2.
Variant type: single nucleotide variant.
Coding change: c.3227A>G on transcript NM_020937.4 (MANE Select); coding-DNA position 3227, A replaced by G.
Protein change: p.Asp1076Gly; replaces aspartic acid 1076 with glycine.
Molecular consequence: missense variant.
Genome position (GRCh38, 1-based): chr14:45,175,981, A>G. VCF-style: chr14-45175981-A-G. GRCh37 (hg19) VCF-style: chr14-45645184-A-G.
Other names: c.3149A>G, p.Asp1050Gly (NM_001308133.2); short protein forms D1076G, D1050G.
Identifiers: ClinVar variation 2160870 (VCV002160870.5), dbSNP rs745866941, ClinGen allele CA389600459.

ClinVar aggregate classification (germline): Uncertain significance. Review status: criteria provided, multiple submitters, no conflicts (2 of 4 stars). 2 submissions from 2 submitters: Uncertain significance (2). Last evaluated 2025-01-21.

Conditions:
Fanconi anemia (FA). Also called: Fanconi's anemia. Identifiers: Orphanet 84, MedGen C0015625, MeSH D005199, MONDO:0019391.
Inborn genetic diseases. Identifiers: MedGen C0950123, MeSH D030342.

Allele frequency attached by ClinVar (database versions not stated): gnomAD 0.00001; TOPMed 0.00001.
gnomAD v4.1: 2 of 1,613,604 alleles (0.00012%); highest among the groups gnomAD compares: African/African-American, 0.0013%; no homozygotes.

Submissions (2):

Ambry Genetics
Classification: Uncertain significance for Inborn genetic diseases. Last evaluated: 2025-01-21. Review status: criteria provided, single submitter. Criteria: Ambry Variant Classification Scheme 2023. Collection method: clinical testing. Allele origin: germline.
Comment: The p.D1076G variant (also known as c.3227A>G), located in coding exon 14 of the FANCM gene, results from an A to G substitution at nucleotide position 3227. The aspartic acid at codon 1076 is replaced by glycine, an amino acid with similar properties. This amino acid position is conserved. In addition, this alteration is predicted to be tolerated by in silico analysis. Based on the available evidence, the clinical significance of this variant remains unclear.

Labcorp Genetics (formerly Invitae), Labcorp
Classification: Uncertain significance for Fanconi anemia. Last evaluated: 2022-04-29. Review status: criteria provided, single submitter. Criteria: Invitae Variant Classification Sherloc (09022015). Collection method: clinical testing. Allele origin: germline.
Comment: In summary, the available evidence is currently insufficient to determine the role of this variant in disease. Therefore, it has been classified as a Variant of Uncertain Significance. The frequency data for this variant in the population databases is considered unreliable, as metrics indicate poor data quality at this position in the gnomAD database. This sequence change replaces aspartic acid, which is acidic and polar, with glycine, which is neutral and non-polar, at codon 1076 of the FANCM protein (p.Asp1076Gly). This variant has not been reported in the literature in individuals affected with FANCM-related conditions. Algorithms developed to predict the effect of missense changes on protein structure and function (SIFT, PolyPhen-2, Align-GVGD) all suggest that this variant is likely to be tolerated. Algorithms developed to predict the effect of sequence changes on RNA splicing suggest that this variant may create or strengthen a splice site.